The following is an entry in ClinVar:

ClinVar aggregate classification (germline): Likely benign. Review status: criteria provided, multiple submitters, no conflicts (2 of 4 stars). 2 submissions from 2 submitters: Likely benign (2). Last evaluated 2025-10-27.

Conditions:
RECQL5-related disorder. Also called: RECQL5-related condition.

Allele frequency attached by ClinVar (database versions not stated): ESP Exome Variant Server 0.00008; gnomAD 0.00040 and 0.00044; TOPMed 0.00042.
gnomAD v4.1: 928 of 1,602,070 alleles (0.058%); highest among the groups gnomAD compares: Non-Finnish European, 0.064%; 1 homozygote.

Submissions (6):

PreventionGenetics, part of Exact Sciences
Classification: Likely benign for RECQL5-related condition. Last evaluated: 2025-10-27. Review status: criteria provided, single submitter. Criteria: ACMG Guidelines, 2015. Collection method: clinical testing. Allele origin: germline.
Comment: This variant is classified as likely benign based on ACMG/AMP sequence variant interpretation guidelines (Richards et al. 2015 PMID: 25741868, with internal and published modifications).

Labcorp Genetics (formerly Invitae), Labcorp
Classification: Likely benign. Last evaluated: 2019-12-31. Review status: criteria provided, single submitter. Criteria: Invitae Variant Classification Sherloc (09022015). Collection method: clinical testing. Allele origin: germline.

Dr. Peter K. Rogan Lab, Western University
No classification provided (evidence only). Condition: Papillary renal cell carcinoma type 1. Review status: no classification provided. Collection method: in vitro. Allele origin: not applicable. Functional consequence: retained intron. Not counted in ClinVar's aggregate classification.

Dr. Peter K. Rogan Lab, Western University
No classification provided (evidence only). Condition: Sarcoma. Review status: no classification provided. Collection method: in vitro. Allele origin: not applicable. Functional consequence: retained intron. Not counted in ClinVar's aggregate classification.

Dr. Peter K. Rogan Lab, Western University
No classification provided (evidence only). Condition: Hepatocellular carcinoma. Review status: no classification provided. Collection method: in vitro. Allele origin: not applicable. Functional consequence: retained intron. Not counted in ClinVar's aggregate classification.

Dr. Peter K. Rogan Lab, Western University
No classification provided (evidence only). Condition: Ovarian serous cystadenocarcinoma. Review status: no classification provided. Collection method: in vitro. Allele origin: not applicable. Functional consequence: retained intron. Not counted in ClinVar's aggregate classification.

NM_004259.7(RECQL5):c.2806-2A>G

Gene: RECQL5 (RecQ like helicase 5; minus strand). Cytogenetic location: 17q25.1.
Variant type: single nucleotide variant.
Coding change: c.2806-2A>G on transcript NM_004259.7 (MANE Select); the canonical splice acceptor site of the intron before coding-DNA position 2806, A replaced by G.
Molecular consequence: splice acceptor variant.
Genome position (GRCh38, 1-based): chr17:75,627,694, T>C on the plus strand (A>G on the coding strand, the complement: RECQL5 is on the minus strand). VCF-style: chr17-75627694-T-C. GRCh37 (hg19) VCF-style: chr17-73623774-T-C.
Other names: NC_000017.10:g.73623774T>C.
Identifiers: ClinVar variation 721458 (VCV000721458.6), dbSNP rs201841487, ClinGen allele CA8766914.